The following is an entry in ClinVar:

ClinVar aggregate classification (germline): Pathogenic. Review status: reviewed by expert panel (3 of 4 stars). 4 submissions from 4 submitters: Pathogenic (1). 3 of the submissions do not count toward it. Last evaluated 2024-02-22.

Conditions:
Familial thoracic aortic aneurysm and aortic dissection (TAAD). Also called: Thoracic aortic aneurysms and dissections. Identifiers: Orphanet 91387, MedGen C4707243, MONDO:0019625.
Marfan syndrome (MFS). Also called: FBN1-Related Marfan Syndrome; Marfan syndrome type 1; Marfan's syndrome; Marfan syndrome, classic; MARFAN SYNDROME, TYPE I. Identifiers: Orphanet 284963, Orphanet 558, MedGen C0024796, MONDO:0007947, OMIM 154700.

Submissions (4):

ClinGen FBN1 Variant Curation Expert Panel, ClinGen
Classification: Pathogenic for Marfan syndrome. Last evaluated: 2024-02-22. Review status: reviewed by expert panel. Criteria: Assertion Criteria VCEP FBN1 Version 1. Collection method: curation. Allele origin: germline. Inheritance: Autosomal dominant inheritance.
Comment: The NM_00138 c.5966G>T, is a missense variant in FBN1 predicted to cause a substitution of a cysteine by phenylalanine at amino acid 1989 (p.Cys1989Phe). This variant has been reported three times in ClinVar: once as pathogenic, once as likely pathogenic, and once as uncertain significance (Variation ID: 638559). At least three other probands with Marfan syndrome and/or clinical features of Marfan syndrome carry the same variant (PMID 29848614, Petrovsky National Research Centre of Surgery ClinVar entry, Cologne University ClinVar entry, PS4_Mod). This variant is not present in gnomAD (PM2_sup). This variant affects a cysteine residue in a calcium binding EGF-like domain. Cysteine residues in these domains are believed to be involved in the formation of disulfide bridges which are essential for the protein structure (PM1_strong). Computational prediction tools and conservation analysis suggest that this variant may impact the protein (REVEL: 0.947, PP3). The constraint z-score for missense variants affecting FBN1 is 5.06 (PP2). In summary, this variant meets criteria to be classified as pathogenic for Marfan syndrome based on the ACMG/AMP criteria applied, as specified by the ClinGen FBN1 VCEP: PM1_Strong, PS4_Mod, PM2_Sup, PP2, PP3, PP4.

Ambry Genetics
Classification: Pathogenic for Familial thoracic aortic aneurysm and aortic dissection. Last evaluated: 2026-03-05. Review status: criteria provided, single submitter. Criteria: Ambry Variant Classification Scheme 2023. Collection method: clinical testing. Allele origin: germline. Not counted in ClinVar's aggregate classification.
Comment: The p.C1989F pathogenic mutation (also known as c.5966G>T), located in coding exon 48 of the FBN1 gene, results from a G to T substitution at nucleotide position 5966. The cysteine at codon 1989 is replaced by phenylalanine, an amino acid with highly dissimilar properties. The majority of FBN1 mutations identified to date have involved the substitution or generation of cysteine residues within cbEGF domains (Vollbrandt T et al. J Biol Chem. 2004;279(31):32924-32931). This variant was reported in individual(s) with features consistent with Marfan syndrome (MFS) and related fibrillinopathies, segregated with disease in at least one family, and was determined to be de novo in at least one individual (Takeda N et al. Circ Genom Precis Med. 2018 Jun;11(6):e002058; external communication; Ambry internal data). Other variant(s) at the same codon, p.C1989W (c.5967T>G), have been identified in individual(s) with features consistent with MFS (Ambry internal data). Internal structural analysis indicates this variant eliminates a disulfide bond critical for the structural integrity of the cbEGF-like #30 domain (Ambry internal data). This amino acid position is highly conserved in available vertebrate species. In addition, this alteration is predicted to be deleterious by in silico analysis. This variant is considered to be rare based on population cohorts in the Genome Aggregation Database (gnomAD). Based on the supporting evidence, this variant is interpreted as a disease-causing mutation.

Petrovsky National Research Centre of Surgery, The Federal Agency for Scientific Organizations
Classification: Pathogenic for Marfan syndrome. Last evaluated: 2019-07-19. Review status: criteria provided, single submitter. Criteria: ACMG Guidelines, 2015. Collection method: clinical testing. Allele origin: inherited. Inheritance: Autosomal dominant inheritance. Affected: yes. Observed: 1 heterozygote. Not counted in ClinVar's aggregate classification.
Comment: Observed c.5966G>T variant was first evaluated in our clinical center as Likely Pathogenic with in silico method by prediction programs like NetGene2, SpliceSite Predictors, Provean and PolyPhen-2, which suggest that substitution p.Cys1989Phe will have a damaging effect (Russian journal of Medical Genetics DOI:10.15829/1560-4071-2016-10-7-14). Recent study show that c.5966G>T variant was reported in other individuals as well. This variant has been reigstered by reporters to Database of Pathogenic Variants (ID DPV:8471; DPVS:8803.1) with a supporting clinical significance citations (PMID:29848614, PMID:12938084). Additionally, FBN1 is known to be mostly intolerant to missense variants (ExAC Z score = 5.33). Based on new evidences we re-evaluate c.5966G>T (p.Cys1989Phe) variant as Pathogenic.

Institute of Human Genetics, Cologne University
Classification: Likely pathogenic for Marfan syndrome. Review status: no assertion criteria provided. Collection method: clinical testing. Allele origin: paternal. Inheritance: Autosomal dominant inheritance. Affected: yes. Observed: 1 heterozygote. Not counted in ClinVar's aggregate classification.

Literature cited by the submitters: PubMed 29848614 (cited by Ambry Genetics).

NM_000138.5(FBN1):c.5966G>T (p.Cys1989Phe)

Gene: FBN1 (fibrillin 1; minus strand). Cytogenetic location: 15q21.1.
Variant type: single nucleotide variant.
Coding change: c.5966G>T on transcript NM_000138.5 (MANE Select); coding-DNA position 5966, G replaced by T.
Protein change: p.Cys1989Phe; replaces cysteine 1989 with phenylalanine.
Molecular consequence: missense variant.
Genome position (GRCh38, 1-based): chr15:48,444,612, C>A on the plus strand (G>T on the coding strand, the complement: FBN1 is on the minus strand). VCF-style: chr15-48444612-C-A. GRCh37 (hg19) VCF-style: chr15-48736809-C-A.
Other names: NM_000138.5(FBN1):c.5966G>T; short protein forms C1989F.
Identifiers: ClinVar variation 638559 (VCV000638559.8), dbSNP rs1597531796, ClinGen allele CA392339801.
Genomic context (GRCh38, chr15:48,444,612, plus strand): 5'-TCATTTTGAAGACTGTATCCAGGTGGGCAAATGCATCTGTAGGACCCATCCAAGTTTTGA[C>A]AGGTACCTGGTGCACATTTTCTGGGTTCTAGAAGACATTCATTGATATCTGCAAAGAAAA-3'
Protein context (NP_000129.3, residues 1979-1999): LEPRKCAPGT[Cys1989Phe]QNLDGSYRCI